The following is an entry in ClinVar:

ClinVar aggregate classification (germline): Benign/Likely benign. Review status: criteria provided, multiple submitters, no conflicts (2 of 4 stars). 4 submissions from 4 submitters: Benign (1); Likely benign (3). Last evaluated 2025-03-22.

Conditions:
Familial cancer of breast. Also called: BREAST CANCER, FAMILIAL; Hereditary breast cancer; hereditary breast carcinoma. Identifiers: Orphanet 227535, MedGen C0346153, MONDO:0016419, OMIM 114480. Disease mechanism: loss of function.
Hereditary cancer-predisposing syndrome. Also called: Neoplastic Syndromes, Hereditary; Tumor predisposition; Hereditary Cancer Syndrome; Hereditary neoplastic syndrome. Identifiers: Orphanet 140162, MedGen C0027672, MeSH D009386, MONDO:0015356.

Submissions (4):

Ambry Genetics
Classification: Likely benign for Hereditary cancer-predisposing syndrome. Last evaluated: 2025-03-22. Review status: criteria provided, single submitter. Criteria: Ambry Variant Classification Scheme 2023. Collection method: clinical testing. Allele origin: germline.

Myriad Genetics, Inc.
Classification: Benign for Familial cancer of breast. Last evaluated: 2025-01-13. Review status: criteria provided, single submitter. Criteria: Myriad Autosomal Dominant, Autosomal Recessive and X-Linked Classification Criteria (2023). Collection method: clinical testing. Allele origin: unknown.
Comment: This variant is considered benign. This variant is a silent/synonymous amino acid change and it is not expected to impact splicing.

Labcorp Genetics (formerly Invitae), Labcorp
Classification: Likely benign for Familial cancer of breast. Last evaluated: 2024-04-17. Review status: criteria provided, single submitter. Criteria: Invitae Variant Classification Sherloc (09022015). Collection method: clinical testing. Allele origin: germline.

Color Diagnostics, LLC DBA Color Health
Classification: Likely benign for Hereditary cancer-predisposing syndrome. Last evaluated: 2019-09-18. Review status: criteria provided, single submitter. Criteria: ACMG Guidelines, 2015. Collection method: clinical testing. Allele origin: germline.

NM_024675.4(PALB2):c.961T>C (p.Leu321=)

Gene: PALB2 (partner and localizer of BRCA2; minus strand). Cytogenetic location: 16p12.2.
Variant type: single nucleotide variant.
Coding change: c.961T>C on transcript NM_024675.4 (MANE Select); coding-DNA position 961, T replaced by C.
Protein change: p.Leu321=; no amino-acid change (leucine 321 retained).
Molecular consequence: synonymous variant.
Genome position (GRCh38, 1-based): chr16:23,635,585, A>G on the plus strand (T>C on the coding strand, the complement: PALB2 is on the minus strand). VCF-style: chr16-23635585-A-G. GRCh37 (hg19) VCF-style: chr16-23646906-A-G.
Identifiers: ClinVar variation 920163 (VCV000920163.6), dbSNP rs1967005997, ClinGen allele CA494461826.